The following is an entry in ClinVar:

NM_001374623.1(PNPLA1):c.387C>A (p.Asp129Glu)

Gene: PNPLA1 (patatin like domain 1, omega-hydroxyceramide transacylase; plus strand). Cytogenetic location: 6p21.31.
Variant type: single nucleotide variant.
Coding change: c.387C>A on transcript NM_001374623.1 (MANE Select); coding-DNA position 387, C replaced by A.
Protein change: p.Asp129Glu; replaces aspartic acid 129 with glutamic acid.
Molecular consequence: missense variant.
Genome position (GRCh38, 1-based): chr6:36,291,501, C>A. VCF-style: chr6-36291501-C-A. GRCh37 (hg19) VCF-style: chr6-36259278-C-A.
Other names: c.387C>A, p.Asp129Glu (NM_001145717.1); c.102C>A, p.Asp34Glu (NM_001145716.2, NM_173676.2); short protein forms D34E, D129E.
Identifiers: ClinVar variation 617846 (VCV000617846.6), dbSNP rs200806519, ClinGen allele CA363811512.
Genomic context (GRCh38, chr6:36,291,501, plus strand): 5'-CGAGGACTCCTACAAGGTCACCACGGGGAAGCTCCATGTGAGCCTCACCCGCTTAACGGA[C>A]GGGGAGAATGTGGTGGTTTCAGAGTTCACGTCCAAGGAGGAGCTCATTGAGGCAAGGGGG-3'
Protein context (NP_001361552.1, residues 119-139): KLHVSLTRLT[Asp129Glu]GENVVVSEFT

ClinVar aggregate classification (germline): Pathogenic/Likely pathogenic. Review status: criteria provided, multiple submitters, no conflicts (2 of 4 stars). 6 submissions from 6 submitters: Pathogenic (1); Likely pathogenic (2). 3 of the submissions do not count toward it. Last evaluated 2026-05-26.

Conditions:
Ichthyosis and erythrokeratoderma.
Autosomal recessive congenital ichthyosis (ARCI). Identifiers: Orphanet 281097, MedGen C1274215, MONDO:0017265.
Autosomal recessive congenital ichthyosis 10 (ARCI10). Identifiers: Orphanet 79394, MedGen C3554355, MONDO:0014011, OMIM 615024.
Ichthyosis. Also called: Ichthyosis (disease). Identifiers: Orphanet 79354, MedGen C0020757, MONDO:0019269, HP:0008064.

Submissions (6):

Genetics Laboratory, Great Ormond Street Hospital NHS Foundation Trust, North Thames Genomic Laboratory Hub
Classification: Likely pathogenic for Ichthyosis and erythrokeratoderma. Last evaluated: 2026-05-26. Review status: criteria provided, single submitter. Criteria: ACGS Best Practice Guidelines for Variant Classification in Rare Disease 2024 v1.2. Collection method: clinical testing. Allele origin: germline. Affected: yes.
Comment: PM2_moderate, PP1_strong, PM3_moderate

GeneDx
Classification: Pathogenic. Last evaluated: 2024-10-31. Review status: criteria provided, single submitter. Criteria: GeneDx Variant Classification Process June 2021. Collection method: clinical testing. Allele origin: germline. Affected: yes.
Comment: Published functional studies suggest a damaging effect: reduced acylceramide-producing activity with altered intracellular localization (PMID: 35970721); Not observed at significant frequency in large population cohorts (gnomAD); In silico analysis supports that this missense variant has a deleterious effect on protein structure/function; This variant is associated with the following publications: (PMID: 34899144, 26778108, 35970721, 26691440, 31168818, 38191074)

Fulgent Genetics
Classification: Likely pathogenic for Autosomal recessive congenital ichthyosis 10. Last evaluated: 2024-04-29. Review status: criteria provided, single submitter. Criteria: ACMG Guidelines, 2015. Collection method: clinical testing. Allele origin: germline.

OMIM
Classification: Pathogenic for ICHTHYOSIS, CONGENITAL, AUTOSOMAL RECESSIVE 10. Last evaluated: 2019-04-12. Review status: no assertion criteria provided. Collection method: literature only. Allele origin: germline. Not counted in ClinVar's aggregate classification.

University of Washington Center for Mendelian Genomics, University of Washington
Classification: Pathogenic for Ichthyosis. Last evaluated: 2015-12-21. Review status: no assertion criteria provided. Collection method: research. Allele origin: germline. Inheritance: Autosomal recessive inheritance. Affected: yes. Observed: 11 homozygotes. Not counted in ClinVar's aggregate classification.

GeneReviews
No classification provided. Condition: Autosomal recessive congenital ichthyosis. Review status: no classification provided. Collection method: literature only. Allele origin: germline. Not counted in ClinVar's aggregate classification.

Literature cited by the submitters: PubMed 26691440 (cited by OMIM and GeneReviews); PMC 5093081 (cited by University of Washington Center for Mendelian Genomics, University of Washington); PubMed 26778108 (cited by GeneReviews).